The following is an entry in ClinVar:

ClinVar aggregate classification (germline): Uncertain significance. Review status: criteria provided, multiple submitters, no conflicts (2 of 4 stars). 2 submissions from 2 submitters: Uncertain significance (2). Last evaluated 2024-09-26.

Submissions (2):

Blueprint Genetics
Classification: Uncertain significance. Last evaluated: 2024-09-26. Review status: criteria provided, single submitter. Criteria: ACMG Guidelines, 2015. Collection method: clinical testing. Allele origin: germline.

Labcorp Genetics (formerly Invitae), Labcorp
Classification: Uncertain significance. Last evaluated: 2024-02-16. Review status: criteria provided, single submitter. Criteria: Invitae Variant Classification Sherloc (09022015). Collection method: clinical testing. Allele origin: germline.
Comment: This sequence change replaces alanine, which is neutral and non-polar, with valine, which is neutral and non-polar, at codon 376 of the CACNA2D4 protein (p.Ala376Val). This variant is present in population databases (no rsID available, gnomAD 0.002%). This variant has not been reported in the literature in individuals affected with CACNA2D4-related conditions. An algorithm developed to predict the effect of missense changes on protein structure and function (PolyPhen-2) suggests that this variant is likely to be disruptive. In summary, the available evidence is currently insufficient to determine the role of this variant in disease. Therefore, it has been classified as a Variant of Uncertain Significance.

NM_172364.5(CACNA2D4):c.1127C>T (p.Ala376Val)

Gene: CACNA2D4 (calcium voltage-gated channel auxiliary subunit alpha2delta 4; minus strand). Cytogenetic location: 12p13.33.
Variant type: single nucleotide variant.
Coding change: c.1127C>T on transcript NM_172364.5 (MANE Select); coding-DNA position 1127, C replaced by T.
Protein change: p.Ala376Val; replaces alanine 376 with valine.
Molecular consequence: missense variant.
Genome position (GRCh38, 1-based): chr12:1,885,018, G>A on the plus strand (C>T on the coding strand, the complement: CACNA2D4 is on the minus strand). VCF-style: chr12-1885018-G-A. GRCh37 (hg19) VCF-style: chr12-1994184-G-A.
Other names: short protein forms A376V.
Identifiers: ClinVar variation 3718640 (VCV003718640.3).
Genomic context (GRCh38, chr12:1,885,018, plus strand): 5'-CCCCTCCCAGGCCTCATTACAGTGGGCACCTGCTTCAGGATCTGGAAGGCTTCTCTCAGG[G>A]CTTGGTCCACGACCCCCACACCTTTGACCATCAACTCCTCCACCAGCAGTTTGAAATGCT-3'
Protein context (NP_758952.4, residues 366-386): MVKGVGVVDQ[Ala376Val]LREAFQILKQ